The following is an entry in ClinVar:

ClinVar aggregate classification (germline): Uncertain significance (1 of 4 stars; one submission).

Conditions:
Early-infantile DEE. Also called: Early infantile epileptic encephalopathy; Ohtahara syndrome; Early infantile epileptic encephalopathy with suppression bursts. Identifiers: Orphanet 1934, MedGen C0393706, MONDO:0800491.

gnomAD v4.1: 2 of 1,610,398 alleles (0.00012%); highest among the groups gnomAD compares: Admixed American, 0.0017%; no homozygotes.

Submission:

Labcorp Genetics (formerly Invitae), Labcorp
Classification: Uncertain significance for Early-infantile DEE. Last evaluated: 2025-09-07. Review status: criteria provided, single submitter. Criteria: Invitae Variant Classification Sherloc (09022015). Collection method: clinical testing. Allele origin: germline.
Comment: This sequence change affects codon 309 of the SCN8A mRNA. It is a 'silent' change, meaning that it does not change the encoded amino acid sequence of the SCN8A protein. It affects a nucleotide within the consensus splice site. This variant is not present in population databases (gnomAD no frequency). This variant has not been reported in the literature in individuals affected with SCN8A-related conditions. Algorithms developed to predict the effect of sequence changes on RNA splicing suggest that this variant is not likely to affect RNA splicing. In summary, the available evidence is currently insufficient to determine the role of this variant in disease. Therefore, it has been classified as a Variant of Uncertain Significance.

NM_001330260.2(SCN8A):c.927A>G (p.Lys309=)

Gene: SCN8A (sodium voltage-gated channel alpha subunit 8; plus strand). Cytogenetic location: 12q13.13.
Variant type: single nucleotide variant.
Coding change: c.927A>G on transcript NM_001330260.2 (MANE Select); coding-DNA position 927, A replaced by G.
Protein change: p.Lys309=; no amino-acid change (lysine 309 retained).
Molecular consequence: synonymous variant.
Genome position (GRCh38, 1-based): chr12:51,699,790, A>G. VCF-style: chr12-51699790-A-G. GRCh37 (hg19) VCF-style: chr12-52093574-A-G.
Other names: c.927A>G, p.Lys309= (NM_001177984.3, NM_001369788.1, NM_014191.4).
Identifiers: ClinVar variation 4751707 (VCV004751707.1).
Genomic context (GRCh38, chr12:51,699,790, plus strand): 5'-CGAGAGCTATCTTGAAAATGGCACCAAAGGCTTTGATTGGGAAGAGTATATCAACAATAA[A>G]AGTAGGTGGCCTCTTCTCTGCAAGAGGAATAGGAAAAGTCTATTCCTAGTTCACATGGTC-3'
Protein context (NP_001317189.1, residues 299-319): GFDWEEYINN[Lys309=]TNFYTVPGML